The following is an entry in ClinVar:

NM_001352027.3(PHF21A):c.69A>G (p.Gln23=)

Gene: PHF21A (PHD finger protein 21A; minus strand). Cytogenetic location: 11p11.2.
Variant type: single nucleotide variant.
Coding change: c.69A>G on transcript NM_001352027.3 (MANE Select); coding-DNA position 69, A replaced by G.
Protein change: p.Gln23=; no amino-acid change (glutamine 23 retained).
Molecular consequence: synonymous variant. On other transcripts: non-coding transcript variant (2).
Genome position (GRCh38, 1-based): chr11:46,079,152, T>C on the plus strand (A>G on the coding strand, the complement: PHF21A is on the minus strand). VCF-style: chr11-46079152-T-C. GRCh37 (hg19) VCF-style: chr11-46100703-T-C.
Other names: c.69A>G, p.Gln23= (NM_001101802.3, NM_001352025.3, NM_001352026.3 and 6 more transcripts).
Identifiers: ClinVar variation 2641742 (VCV002641742.24), dbSNP rs2504490501, ClinGen allele CA474009129.

ClinVar aggregate classification (germline): Likely benign (1 of 4 stars; one submission).

Submission:

CeGaT Center for Human Genetics Tuebingen
Classification: Likely benign. Last evaluated: 2023-01-01. Review status: criteria provided, single submitter. Criteria: CeGaT Center For Human Genetics Tuebingen Variant Classification Criteria Version 2. Collection method: clinical testing. Allele origin: germline. Affected: yes. Observed: 1 variant allele.
Comment: PHF21A: PM2:Supporting, BP4, BP7